The following is an entry in ClinVar:

ClinVar aggregate classification (germline): Pathogenic (1 of 4 stars; one submission).

Conditions:
Osteogenesis imperfecta type I (OI1). Also called: Lobstein disease; Classic Non-deforming Osteogenesis Imperfecta with Blue Sclerae; OI, TYPE I; OSTEOGENESIS IMPERFECTA TARDA; OSTEOGENESIS IMPERFECTA WITH BLUE SCLERAE; Osteogenesis imperfecta type 1. Identifiers: Orphanet 216796, Orphanet 666, MedGen C0023931, MONDO:0008146, OMIM 166200. Disease mechanism: loss of function.

Submission:

Labcorp Genetics (formerly Invitae), Labcorp
Classification: Pathogenic for Osteogenesis imperfecta type I. Last evaluated: 2021-02-07. Review status: criteria provided, single submitter. Criteria: Invitae Variant Classification Sherloc (09022015). Collection method: clinical testing. Allele origin: germline.
Comment: This variant is a gross deletion of the genomic region encompassing exon(s) 26-49 of the COL1A1 gene. This variant would be expected to be in-frame, preserving the integrity of the reading frame. This variant has not been reported in the literature in individuals with COL1A1-related conditions. For these reasons, this variant has been classified as Pathogenic. This variant disrupts the triple helix domain of COL1A1. Glycine residues within the Gly-Xaa-Yaa repeats of the triple helix domain are required for the structure and stability of fibrillar collagens (PMID: 7695699, 8218237, 19344236). In COL1A1, variants affecting these glycine residues are significantly enriched in individuals with disease (PMID: 9016532, 17078022) compared to the general population (ExAC).

Literature cited by the submitters: PubMed 7695699; PubMed 8218237; PubMed 19344236; PubMed 9016532; PubMed 17078022.

NC_000017.10:g.(?_48263658)_(48270428_?)del

Gene: COL1A1 (collagen type I alpha 1 chain; minus strand). Cytogenetic location: 17q21.33.
Variant type: Deletion.
Identifiers: ClinVar variation 1454504 (VCV001454504.6).